The following is an entry in ClinVar:

NM_006269.2(RP1):c.2607del (p.Lys871fs)

Gene: RP1 (RP1 axonemal microtubule associated; plus strand). Cytogenetic location: 8q12.1.
Variant type: Deletion.
Coding change: c.2607del on transcript NM_006269.2 (MANE Select); coding-DNA position 2607, one base deleted (G; older notation c.2607delG).
Protein change: p.Lys871fs; shifts the reading frame from lysine 871.
Molecular consequence: frameshift variant. On other transcripts: intron variant (1).
Genome position (GRCh38, 1-based): chr8:54,626,489, G deleted. VCF-style (leftmost placement, unchanged base first): chr8-54626488-AG-A. GRCh37 (hg19) VCF-style: chr8-55539048-AG-A.
Other names: c.787+4201del (NM_001375654.1); short protein forms K871fs.
Identifiers: ClinVar variation 1375325 (VCV001375325.7), dbSNP rs2129316716, ClinGen allele CA2573143224.

ClinVar aggregate classification (germline): Pathogenic/Likely pathogenic. Review status: criteria provided, multiple submitters, no conflicts (2 of 4 stars). 2 submissions from 2 submitters: Pathogenic (1); Likely pathogenic (1). Last evaluated 2023-08-03.

Conditions:
RP1-related disorder. Also called: RP1-related condition.

Submissions (2):

Blueprint Genetics
Classification: Likely pathogenic for RP1-related disorders. Last evaluated: 2023-08-03. Review status: criteria provided, single submitter. Criteria: ACMG Guidelines, 2015. Collection method: clinical testing. Allele origin: germline. Affected: yes. Observed: 1 variant allele.

Labcorp Genetics (formerly Invitae), Labcorp
Classification: Pathogenic. Last evaluated: 2022-03-09. Review status: criteria provided, single submitter. Criteria: Invitae Variant Classification Sherloc (09022015). Collection method: clinical testing. Allele origin: germline.
Comment: This sequence change creates a premature translational stop signal (p.Lys871Asnfs*7) in the RP1 gene. While this is not anticipated to result in nonsense mediated decay, it is expected to disrupt the last 1286 amino acid(s) of the RP1 protein. This variant is not present in population databases (gnomAD no frequency). This variant has not been reported in the literature in individuals affected with RP1-related conditions. This variant disrupts the C-terminus of the RP1 protein. Many variants that disrupt this region have been reported in individuals with either autosomal dominant or autosomal recessive retinitis pigmentosa (PMID: 11527933, 19933189, 29425069, 30027431). Therefore, variants that disrupt this region are expected to be disease-causing. For these reasons, this variant has been classified as Pathogenic.

Literature cited by the submitters: PubMed 11527933 (cited by Labcorp Genetics (formerly Invitae), Labcorp); PubMed 19933189 (cited by Labcorp Genetics (formerly Invitae), Labcorp); PubMed 29425069 (cited by Labcorp Genetics (formerly Invitae), Labcorp); PubMed 30027431 (cited by Labcorp Genetics (formerly Invitae), Labcorp).